The following is an entry in ClinVar:

NM_020157.4(OTOR):c.2T>C (p.Met1Thr)

Gene: OTOR (otoraplin; plus strand). Cytogenetic location: 20p12.1.
Variant type: single nucleotide variant.
Coding change: c.2T>C on transcript NM_020157.4 (MANE Select); coding-DNA position 2, T replaced by C.
Protein change: p.Met1Thr; changes the start codon (methionine 1).
Molecular consequence: missense variant, initiator codon variant.
Genome position (GRCh38, 1-based): chr20:16,748,403, T>C. VCF-style: chr20-16748403-T-C. GRCh37 (hg19) VCF-style: chr20-16729048-T-C.
Other names: short protein forms M1T.
Identifiers: ClinVar variation 403282 (VCV000403282.6), dbSNP rs17686437, ClinGen allele CA9771243.

ClinVar aggregate classification (germline): Benign. Review status: criteria provided, multiple submitters, no conflicts (2 of 4 stars). 2 submissions from 2 submitters: Benign (2). Last evaluated 2016-03-29.

Allele frequency attached by ClinVar (database versions not stated): 1000 Genomes Project 0.01997; 1000 Genomes Project 30x 0.02030; TOPMed 0.02834; gnomAD 0.03160 and 0.03237; ESP Exome Variant Server 0.03306; gnomAD exomes 0.03481 and 0.04006; ExAC 0.03518.

Submissions (2):

Laboratory for Molecular Medicine, Mass General Brigham Personalized Medicine
Classification: Benign. Last evaluated: 2016-03-29. Review status: criteria provided, single submitter. Criteria: LMM Criteria. Collection method: clinical testing. Allele origin: germline.
Comment: Variant identified in a genome or exome case(s) and assessed due to predicted null impact of the variant or pathogenic assertions in the literature or databases. Disclaimer: This variant has not undergone full assessment. The following are preliminary notes: Frequency in ESP (all):430/13006=3.3%

Breakthrough Genomics
Classification: Benign. Review status: criteria provided, single submitter. Criteria: ACMG Guidelines, 2015. Collection method: not provided. Allele origin: germline. Inheritance: Unknown mechanism. Affected: yes.